The following is an entry in ClinVar:

ClinVar aggregate classification (germline): Pathogenic (1 of 4 stars; one submission).

Conditions:
Hereditary cancer-predisposing syndrome. Also called: Neoplastic Syndromes, Hereditary; Tumor predisposition; Hereditary Cancer Syndrome; Hereditary neoplastic syndrome. Identifiers: Orphanet 140162, MedGen C0027672, MeSH D009386, MONDO:0015356.

Submission:

Ambry Genetics
Classification: Pathogenic for Hereditary cancer-predisposing syndrome. Last evaluated: 2017-10-04. Review status: criteria provided, single submitter. Criteria: Ambry Variant Classification Scheme 2023. Collection method: clinical testing. Allele origin: germline.
Comment: The c.2037_2038delTA pathogenic mutation, located in coding exon 10 of the BRCA2 gene, results from a deletion of two nucleotides at nucleotide positions 2037 to 2038, causing a translational frameshift with a predicted alternate stop codon (p.T680Sfs*7). This alteration is expected to result in loss of function by premature protein truncation or nonsense-mediated mRNA decay. As such, this alteration is interpreted as a disease-causing mutation.

NM_000059.4(BRCA2):c.2037_2038del (p.Thr680fs)

Gene: BRCA2 (BRCA2 DNA repair associated; plus strand). Cytogenetic location: 13q13.1.
Variant type: Deletion.
Coding change: c.2037_2038del on transcript NM_000059.4 (MANE Select); coding-DNA positions 2037 to 2038, 2 bases deleted (TA; older notation c.2037_2038delTA).
Protein change: p.Thr680fs; shifts the reading frame from threonine 680.
Molecular consequence: frameshift variant.
Genome position (GRCh38, 1-based): chr13:32,336,392-32,336,393, TA deleted; deleting any 2 consecutive bases within chr13:32,336,391-32,336,393 gives the same sequence; the c. name uses the placement nearest the transcript's 3' end. VCF-style (leftmost placement, unchanged base first): chr13-32336390-AAT-A. GRCh37 (hg19) VCF-style: chr13-32910527-AAT-A.
Other names: c.2037_2038delTA, p.Thr680Serfs (NM_001406719.1, NM_001406720.1); short protein forms T680fs.
Identifiers: ClinVar variation 1784822 (VCV001784822.2), dbSNP rs2548523040, ClinGen allele CA2580087194.